The following is an entry in ClinVar:

NM_000500.9(CYP21A2):c.601dup (p.Thr201fs)

Genes: CYP21A2 (cytochrome P450 family 21 subfamily A member 2; plus strand), LOC106780800 (CYP21A2 recombination region; plus strand). Cytogenetic location: 6p21.33.
Variant type: Duplication.
Coding change: c.601dup on transcript NM_000500.9 (MANE Select); coding-DNA position 601, one base duplicated (A; older notation c.601dupA).
Protein change: p.Thr201fs; shifts the reading frame from threonine 201.
Molecular consequence: frameshift variant.
Genome position (GRCh38, 1-based): chr6:32,039,597, A duplicated; the last of 5 consecutive A bases (chr6:32,039,593-32,039,597); duplicating any one gives the same sequence. VCF-style (leftmost placement, unchanged base first): chr6-32039592-T-TA. GRCh37 (hg19) VCF-style: chr6-32007369-T-TA.
Other names: c.511dup, p.Thr171fs (NM_001128590.4); c.196dup, p.Thr66fs (NM_001368143.2, NM_001368144.2); short protein forms T171fs, T201fs, T66fs.
Identifiers: ClinVar variation 4057277 (VCV004057277.2).

ClinVar aggregate classification (germline): Likely pathogenic (1 of 4 stars; one submission).

Conditions:
21-Hydroxylase-Deficient Congenital Adrenal Hyperplasia. Also called: ADRENAL HYPERPLASIA III; ADRENAL HYPERPLASIA, CONGENITAL, DUE TO 21-HYDROXYLASE DEFICIENCY. Identifiers: MedGen C2936858, OMIM 201910.

Submission:

Diagnostics Services (NGS), CSIR - Centre For Cellular And Molecular Biology
Classification: Likely pathogenic for 21-Hydroxylase-Deficient Congenital Adrenal Hyperplasia. Last evaluated: 2025-05-23. Review status: criteria provided, single submitter. Criteria: ACMG Guidelines, 2015. Collection method: clinical testing. Allele origin: unknown. Affected: yes. Observed: 1 variant allele, 1 heterozygote.
Comment: The c.601dup variant is not present in 1000 Genomes, EVS, gnomAD, Indian Exome Database or our internal database. This variant has neither been published in the literature for CYP21A2-related conditions nor reported to clinical databases like HGMD, OMIM, or ClinVar in any affected individuals. In-silico pathogenicity prediction programs like MutationTaster2021, CADD, Franklin, Varsome etc predicted this variant to be likely deleterious. This variant causes frameshift at the 201st amino acid position of the wild-type transcript which creates a premature translational stop signal at the altered transcript that may either result in translation of a truncated protein or cause nonsense mediated decay of the mRNA.